The following is an entry in ClinVar:

NM_000755.5(CRAT):c.1373G>A (p.Arg458His)

Gene: CRAT (carnitine O-acetyltransferase; minus strand). Cytogenetic location: 9q34.11.
Variant type: single nucleotide variant.
Coding change: c.1373G>A on transcript NM_000755.5 (MANE Select); coding-DNA position 1373, G replaced by A.
Protein change: p.Arg458His; replaces arginine 458 with histidine.
Molecular consequence: missense variant.
Genome position (GRCh38, 1-based): chr9:129,098,104, C>T on the plus strand (G>A on the coding strand, the complement: CRAT is on the minus strand). VCF-style: chr9-129098104-C-T. GRCh37 (hg19) VCF-style: chr9-131860383-C-T.
Other names: c.1310G>A, p.Arg437His (NM_001257363.3, NM_001346548.2, NM_004003.4); c.1376G>A, p.Arg459His (NM_001346546.2); c.1373G>A, p.Arg458His (NM_001346547.2); c.1253G>A, p.Arg418His (NM_001346549.2); short protein forms R418H, R437H, R458H, R459H.
Identifiers: ClinVar variation 3382098 (VCV003382098.4).

ClinVar aggregate classification (germline): Uncertain significance. Review status: criteria provided, multiple submitters, no conflicts (2 of 4 stars). 2 submissions from 2 submitters: Uncertain significance (2). Last evaluated 2025-05-23.

Conditions:
Neurodegeneration with brain iron accumulation 8. Identifiers: MedGen C4693587, MONDO:0054764, OMIM 617917.

gnomAD v4.1: 18 of 1,613,870 alleles (0.0011%); highest among the groups gnomAD compares: African/African-American, 0.0027%; no homozygotes.

Submissions (2):

Labcorp Genetics (formerly Invitae), Labcorp
Classification: Uncertain significance. Last evaluated: 2025-05-23. Review status: criteria provided, single submitter. Criteria: Invitae Variant Classification Sherloc (09022015). Collection method: clinical testing. Allele origin: germline.
Comment: This sequence change replaces arginine, which is basic and polar, with histidine, which is basic and polar, at codon 458 of the CRAT protein (p.Arg458His). This variant is present in population databases (rs143682956, gnomAD 0.003%). This variant has not been reported in the literature in individuals affected with CRAT-related conditions. ClinVar contains an entry for this variant (Variation ID: 3382098). Invitae Evidence Modeling of protein sequence and biophysical properties (such as structural, functional, and spatial information, amino acid conservation, physicochemical variation, residue mobility, and thermodynamic stability) indicates that this missense variant is expected to disrupt CRAT protein function with a positive predictive value of 80%. In summary, the available evidence is currently insufficient to determine the role of this variant in disease. Therefore, it has been classified as a Variant of Uncertain Significance.

Juno Genomics, Hangzhou Juno Genomics, Inc
Classification: Uncertain significance for Neurodegeneration with brain iron accumulation 8. Review status: criteria provided, single submitter. Criteria: ACMG Guidelines, 2015. Collection method: clinical testing. Allele origin: germline. Affected: yes.
Comment: Absent from controls (or at extremely low frequency if recessive) in Genome Aggregation Database, Exome Sequencing Project, 1000 Genomes Project, or Exome Aggregation Consortium.;Multiple lines of computational evidence support a deleterious effect on the gene or gene product (conservation, evolutionary, splicing impact, etc).